The following is an entry in ClinVar:

NM_006659.4(TUBGCP2):c.855C>T (p.Tyr285=)

Genes: TUBGCP2 (tubulin gamma complex component 2; minus strand), LOC126861106 (P300/CBP strongly-dependent group 1 enhancer GRCh37_chr10:135106330-135107529; plus strand). Cytogenetic location: 10q26.3.
Variant type: single nucleotide variant.
Coding change: c.855C>T on transcript NM_006659.4 (MANE Select); coding-DNA position 855, C replaced by T.
Protein change: p.Tyr285=; no amino-acid change (tyrosine 285 retained).
Molecular consequence: synonymous variant. On other transcripts: non-coding transcript variant (1).
Genome position (GRCh38, 1-based): chr10:133,293,208, G>A on the plus strand (C>T on the coding strand, the complement: TUBGCP2 is on the minus strand). VCF-style: chr10-133293208-G-A. GRCh37 (hg19) VCF-style: chr10-135106712-G-A.
Other names: c.939C>T, p.Tyr313= (NM_001256617.2); c.465C>T, p.Tyr155= (NM_001256618.2); c.939C>T (NM_001256617.1).
Identifiers: ClinVar variation 3024913 (VCV003024913.23), dbSNP rs150131271, ClinGen allele CA5764339.
Genomic context (GRCh38, chr10:133,293,208, plus strand): 5'-AATCAGGTGCTCCTTCACCAGGGTGCGCATGGCGGCCGCCAGGGCGTGGTTCACCTGCCC[G>A]TACTCGAAGGAAGACTTCTCTTCAATGAACCTGGAAGAAAAGCTGTCAGACTTCCTCAAA-3'
Protein context (NP_006650.1, residues 275-295): RFIEEKSSFE[Tyr285=]GQVNHALAAA

ClinVar aggregate classification (germline): Likely benign. Review status: criteria provided, single submitter (1 of 4 stars). 2 submissions from 2 submitters: Likely benign (1). 1 of the submissions does not count toward it. Last evaluated 2023-12-01.

Conditions:
TUBGCP2-related disorder. Also called: TUBGCP2-related condition.

Allele frequency attached by ClinVar (database versions not stated): 1000 Genomes Project 30x 0.00078; 1000 Genomes Project 0.00080; TOPMed 0.00095; ESP Exome Variant Server 0.00131.
gnomAD v4.1: 356 of 1,613,752 alleles (0.022%); highest among the groups gnomAD compares: African/African-American, 0.31%; no homozygotes.

Submissions (2):

CeGaT Center for Human Genetics Tuebingen
Classification: Likely benign. Last evaluated: 2023-12-01. Review status: criteria provided, single submitter. Criteria: CeGaT Center For Human Genetics Tuebingen Variant Classification Criteria Version 2. Collection method: clinical testing. Allele origin: germline. Affected: yes. Observed: 1 variant allele.
Comment: TUBGCP2: BP4, BP7

PreventionGenetics, part of Exact Sciences
Classification: Likely benign for TUBGCP2-related condition. Last evaluated: 2022-06-10. Review status: no assertion criteria provided. Collection method: clinical testing. Allele origin: germline. Not counted in ClinVar's aggregate classification.
Comment: This variant is classified as likely benign based on ACMG/AMP sequence variant interpretation guidelines (Richards et al. 2015 PMID: 25741868, with internal and published modifications).